The following is an entry in ClinVar:

ClinVar aggregate classification (germline): Likely benign. Review status: criteria provided, multiple submitters, no conflicts (2 of 4 stars). 4 submissions from 4 submitters: Likely benign (4). Last evaluated 2025-04-14.

Conditions:
Familial thoracic aortic aneurysm and aortic dissection (TAAD). Also called: Thoracic aortic aneurysms and dissections. Identifiers: Orphanet 91387, MedGen C4707243, MONDO:0019625.
Marfan syndrome (MFS). Also called: Marfan syndrome, classic; Marfan syndrome type 1; Marfan's syndrome; FBN1-Related Marfan Syndrome; MARFAN SYNDROME, TYPE I. Identifiers: Orphanet 284963, Orphanet 558, MedGen C0024796, MONDO:0007947, OMIM 154700.

Allele frequency attached by ClinVar (database versions not stated): gnomAD exomes 0.00001.
gnomAD v4.1: 6 of 1,613,818 alleles (0.00037%); highest among the groups gnomAD compares: Admixed American, 0.01%; no homozygotes.

Submissions (4):

Labcorp Genetics (formerly Invitae), Labcorp
Classification: Likely benign for Marfan syndrome; Familial thoracic aortic aneurysm and aortic dissection. Last evaluated: 2025-04-14. Review status: criteria provided, single submitter. Criteria: Invitae Variant Classification Sherloc (09022015). Collection method: clinical testing. Allele origin: germline.

All of Us Research Program, National Institutes of Health
Classification: Likely benign for Marfan syndrome. Last evaluated: 2023-11-20. Review status: criteria provided, single submitter. Criteria: ACMG Guidelines, 2015. Collection method: clinical testing. Allele origin: germline. Inheritance: Autosomal dominant inheritance. Observed: 3 variant alleles, 3 heterozygotes.
Comment: This study involves interpretation of variants in research participants for the purpose of population health screening. Participant phenotype was not available at the time of variant classification. Additional details can be found in publication PMID: 35346344, PMCID: PMC8962531

Ambry Genetics
Classification: Likely benign for Familial thoracic aortic aneurysm and aortic dissection. Last evaluated: 2022-08-07. Review status: criteria provided, single submitter. Criteria: Ambry Variant Classification Scheme 2023. Collection method: clinical testing. Allele origin: germline.

Color Diagnostics, LLC DBA Color Health
Classification: Likely benign for Familial thoracic aortic aneurysm and aortic dissection. Last evaluated: 2020-03-03. Review status: criteria provided, single submitter. Criteria: ACMG Guidelines, 2015. Collection method: clinical testing. Allele origin: germline.

NM_000138.5(FBN1):c.1215C>A (p.Pro405=)

Gene: FBN1 (fibrillin 1; minus strand). Cytogenetic location: 15q21.1.
Variant type: single nucleotide variant.
Coding change: c.1215C>A on transcript NM_000138.5 (MANE Select); coding-DNA position 1215, C replaced by A.
Protein change: p.Pro405=; no amino-acid change (proline 405 retained).
Molecular consequence: synonymous variant.
Genome position (GRCh38, 1-based): chr15:48,516,295, G>T on the plus strand (C>A on the coding strand, the complement: FBN1 is on the minus strand). VCF-style: chr15-48516295-G-T. GRCh37 (hg19) VCF-style: chr15-48808492-G-T.
Identifiers: ClinVar variation 928462 (VCV000928462.12), dbSNP rs1213208601, ClinGen allele CA490028410.
Genomic context (GRCh38, chr15:48,516,295, plus strand): 5'-AATTTGAGGTCCAGGAGGAAAGCCAGGAGGAACAGGGAGAACTGGAGGAATGGGGCCAAG[G>T]GGTGGGGGAGGATATTCTGGTCTCCCAGGAATTACCATAGGAACAGAGCACAGCTTGTTG-3'
Protein context (NP_000129.3, residues 395-415): IPGRPEYPPP[Pro405=]LGPIPPVLPV